The following is an entry in ClinVar:

NM_005121.3(MED13):c.4331A>C (p.Glu1444Ala)

Gene: MED13 (mediator complex subunit 13; minus strand). Cytogenetic location: 17q23.2.
Variant type: single nucleotide variant.
Coding change: c.4331A>C on transcript NM_005121.3 (MANE Select); coding-DNA position 4331, A replaced by C.
Protein change: p.Glu1444Ala; replaces glutamic acid 1444 with alanine.
Molecular consequence: missense variant.
Genome position (GRCh38, 1-based): chr17:61,966,512, T>G on the plus strand (A>C on the coding strand, the complement: MED13 is on the minus strand). VCF-style: chr17-61966512-T-G. GRCh37 (hg19) VCF-style: chr17-60043873-T-G.
Other names: short protein forms E1444A.
Identifiers: ClinVar variation 3364392 (VCV003364392.1).

ClinVar aggregate classification (germline): Uncertain significance (1 of 4 stars; one submission).

Submission:

GeneDx
Classification: Uncertain significance. Last evaluated: 2023-11-18. Review status: criteria provided, single submitter. Criteria: GeneDx Variant Classification Process June 2021. Collection method: clinical testing. Allele origin: germline. Affected: yes.
Comment: Not observed at significant frequency in large population cohorts (gnomAD); In silico analysis supports that this missense variant does not alter protein structure/function; Has not been previously published as pathogenic or benign to our knowledge